The following is an entry in ClinVar:

NM_007289.4(MME):c.2143G>A (p.Gly715Ser)

Gene: MME (membrane metalloendopeptidase; plus strand). Cytogenetic location: 3q25.2.
Variant type: single nucleotide variant.
Coding change: c.2143G>A on transcript NM_007289.4 (MANE Select); coding-DNA position 2143, G replaced by A.
Protein change: p.Gly715Ser; replaces glycine 715 with serine.
Molecular consequence: missense variant.
Genome position (GRCh38, 1-based): chr3:155,172,602, G>A. VCF-style: chr3-155172602-G-A. GRCh37 (hg19) VCF-style: chr3-154890391-G-A.
Other names: c.2143G>A, p.Gly715Ser (NM_007288.3, NM_000902.5, NM_001354642.2 and 2 more transcripts); short protein forms G715S.
Identifiers: ClinVar variation 1479397 (VCV001479397.8), dbSNP rs963818777, ClinGen allele CA86316146.

ClinVar aggregate classification (germline): Uncertain significance (1 of 4 stars; one submission).

Allele frequency attached by ClinVar (database versions not stated): gnomAD exomes below 0.00001; TOPMed below 0.00001.
gnomAD v4.1: 2 of 1,611,700 alleles (0.00012%); highest among the groups gnomAD compares: Non-Finnish European, 0.00017%; no homozygotes.

Submission:

Labcorp Genetics (formerly Invitae), Labcorp
Classification: Uncertain significance. Last evaluated: 2022-08-23. Review status: criteria provided, single submitter. Criteria: Invitae Variant Classification Sherloc (09022015). Collection method: clinical testing. Allele origin: germline.
Comment: In summary, the available evidence is currently insufficient to determine the role of this variant in disease. Therefore, it has been classified as a Variant of Uncertain Significance. Algorithms developed to predict the effect of missense changes on protein structure and function are either unavailable or do not agree on the potential impact of this missense change (SIFT: "Tolerated"; PolyPhen-2: "Probably Damaging"; Align-GVGD: "Class C0"). ClinVar contains an entry for this variant (Variation ID: 1479397). This variant has not been reported in the literature in individuals affected with MME-related conditions. This variant is not present in population databases (gnomAD no frequency). This sequence change replaces glycine, which is neutral and non-polar, with serine, which is neutral and polar, at codon 715 of the MME protein (p.Gly715Ser).